The following is an entry in ClinVar:

NM_006397.3(RNASEH2A):c.542G>A (p.Cys181Tyr)

Gene: RNASEH2A (ribonuclease H2 subunit A; plus strand). Cytogenetic location: 19p13.13.
Variant type: single nucleotide variant.
Coding change: c.542G>A on transcript NM_006397.3 (MANE Select); coding-DNA position 542, G replaced by A.
Protein change: p.Cys181Tyr; replaces cysteine 181 with tyrosine.
Molecular consequence: missense variant.
Genome position (GRCh38, 1-based): chr19:12,810,201, G>A. VCF-style: chr19-12810201-G-A. GRCh37 (hg19) VCF-style: chr19-12921015-G-A.
Other names: short protein forms C181Y.
Identifiers: ClinVar variation 1428783 (VCV001428783.5), dbSNP rs201041092, ClinGen allele CA9231927.

ClinVar aggregate classification (germline): Uncertain significance (1 of 4 stars; one submission).

Conditions:
Aicardi-Goutieres syndrome 4. Identifiers: Orphanet 51, MedGen C1835912, MONDO:0012472, OMIM 610333.

Allele frequency attached by ClinVar (database versions not stated): gnomAD exomes 0.00003; ExAC 0.00005.
gnomAD v4.1: 28 of 1,614,086 alleles (0.0017%); highest among the groups gnomAD compares: Middle Eastern, 0.016%; 1 homozygote.

Submission:

Labcorp Genetics (formerly Invitae), Labcorp
Classification: Uncertain significance for Aicardi-Goutieres syndrome 4. Last evaluated: 2022-09-13. Review status: criteria provided, single submitter. Criteria: Invitae Variant Classification Sherloc (09022015). Collection method: clinical testing. Allele origin: germline.
Comment: This sequence change replaces cysteine, which is neutral and slightly polar, with tyrosine, which is neutral and polar, at codon 181 of the RNASEH2A protein (p.Cys181Tyr). This variant is present in population databases (rs201041092, gnomAD 0.01%). This variant has not been reported in the literature in individuals affected with RNASEH2A-related conditions. ClinVar contains an entry for this variant (Variation ID: 1428783). Advanced modeling of protein sequence and biophysical properties (such as structural, functional, and spatial information, amino acid conservation, physicochemical variation, residue mobility, and thermodynamic stability) performed at Invitae indicates that this missense variant is not expected to disrupt RNASEH2A protein function. In summary, the available evidence is currently insufficient to determine the role of this variant in disease. Therefore, it has been classified as a Variant of Uncertain Significance.